The following is an entry in ClinVar:

NM_024854.5(PYROXD1):c.563G>C (p.Gly188Ala)

Gene: PYROXD1 (pyridine nucleotide-disulphide oxidoreductase domain 1; plus strand). Cytogenetic location: 12p12.1.
Variant type: single nucleotide variant.
Coding change: c.563G>C on transcript NM_024854.5 (MANE Select); coding-DNA position 563, G replaced by C.
Protein change: p.Gly188Ala; replaces glycine 188 with alanine.
Molecular consequence: missense variant. On other transcripts: 5 prime UTR variant (1).
Genome position (GRCh38, 1-based): chr12:21,455,206, G>C. VCF-style: chr12-21455206-G-C. GRCh37 (hg19) VCF-style: chr12-21608140-G-C.
Other names: c.350G>C, p.Gly117Ala (NM_001350912.2); c.-215G>C (NM_001350913.2); short protein forms G188A, G117A.
Identifiers: ClinVar variation 1408405 (VCV001408405.4), dbSNP rs1296553942, ClinGen allele CA384108005.
Genomic context (GRCh38, chr12:21,455,206, plus strand): 5'-GCTGTGAAGTGATTTGGGCCATTAAAGATAAAGCTATAGGGAATACTTTCTTCGATGCAG[G>C]AGCAGCTGAATTCTTGACTTCAAAGCTCATTGCTGAAAAATCAGAGGCTAAAATTGCACA-3'
Protein context (NP_079130.2, residues 178-198): KAIGNTFFDA[Gly188Ala]AAEFLTSKLI

ClinVar aggregate classification (germline): Uncertain significance (1 of 4 stars; one submission).

Allele frequency attached by ClinVar (database versions not stated): gnomAD exomes below 0.00001; TOPMed below 0.00001; gnomAD 0.00001.

Submission:

Labcorp Genetics (formerly Invitae), Labcorp
Classification: Uncertain significance. Last evaluated: 2026-01-05. Review status: criteria provided, single submitter. Criteria: Invitae Variant Classification Sherloc (09022015). Collection method: clinical testing. Allele origin: germline.
Comment: This sequence change replaces glycine, which is neutral and non-polar, with alanine, which is neutral and non-polar, at codon 188 of the PYROXD1 protein (p.Gly188Ala). This variant is present in population databases (no rsID available, gnomAD 0.004%). This variant has not been reported in the literature in individuals affected with PYROXD1-related conditions. ClinVar contains an entry for this variant (Variation ID: 1408405). Invitae Evidence Modeling of protein sequence and biophysical properties (such as structural, functional, and spatial information, amino acid conservation, physicochemical variation, residue mobility, and thermodynamic stability) indicates that this missense variant is not expected to disrupt PYROXD1 protein function with a negative predictive value of 80%. In summary, the available evidence is currently insufficient to determine the role of this variant in disease. Therefore, it has been classified as a Variant of Uncertain Significance.